The following is an entry in ClinVar:

NM_000969.5(RPL5):c.313C>G (p.Leu105Val)

Genes: DIPK1A (divergent protein kinase domain 1A; minus strand), RPL5 (ribosomal protein L5; plus strand). Cytogenetic location: 1p22.1.
Variant type: single nucleotide variant.
Coding change: c.313C>G on transcript NM_000969.5 (MANE Select); coding-DNA position 313, C replaced by G.
Protein change: p.Leu105Val; replaces leucine 105 with valine.
Molecular consequence: missense variant. On other transcripts: intron variant (1).
Genome position (GRCh38, 1-based): chr1:92,834,902, C>G. VCF-style: chr1-92834902-C-G. GRCh37 (hg19) VCF-style: chr1-93300459-C-G.
Other names: c.475-1868G>C (NM_001252273.2); short protein forms L105V.
Identifiers: ClinVar variation 4742182 (VCV004742182.1).

ClinVar aggregate classification (germline): Uncertain significance (1 of 4 stars; one submission).

Conditions:
Diamond-Blackfan anemia. Also called: Blackfan Diamond syndrome; Aregenerative anemia chronic congenital; Red cell aplasia, pure hereditary; Congenital hypoplastic anemia; Aase syndrome. Identifiers: Orphanet 124, MedGen C1260899, MeSH D029503, MONDO:0015253, HP:0004810.

gnomAD v4.1: 1 of 1,601,678 alleles (0.000062%); highest among the groups gnomAD compares: South Asian, 0.0011%; no homozygotes.

Submission:

Labcorp Genetics (formerly Invitae), Labcorp
Classification: Uncertain significance for Diamond-Blackfan anemia. Last evaluated: 2025-07-27. Review status: criteria provided, single submitter. Criteria: Invitae Variant Classification Sherloc (09022015). Collection method: clinical testing. Allele origin: germline.
Comment: This sequence change replaces leucine, which is neutral and non-polar, with valine, which is neutral and non-polar, at codon 105 of the RPL5 protein (p.Leu105Val). This variant is not present in population databases (gnomAD no frequency). This variant has not been reported in the literature in individuals affected with RPL5-related conditions. Invitae Evidence Modeling of protein sequence and biophysical properties (such as structural, functional, and spatial information, amino acid conservation, physicochemical variation, residue mobility, and thermodynamic stability) indicates that this missense variant is not expected to disrupt RPL5 protein function with a negative predictive value of 80%. In summary, the available evidence is currently insufficient to determine the role of this variant in disease. Therefore, it has been classified as a Variant of Uncertain Significance.